The following is an entry in ClinVar:

ClinVar aggregate classification (germline): Likely benign. Review status: criteria provided, multiple submitters, no conflicts (2 of 4 stars). 2 submissions from 2 submitters: Likely benign (2). Last evaluated 2025-01-26.

Conditions:
Episodic ataxia type 2 (EA2). Also called: ATAXIA, EPISODIC, WITH NYSTAGMUS; ATAXIA, FAMILIAL PAROXYSMAL; CEREBELLAR ATAXIA, PAROXYSMAL, ACETAZOLAMIDE-RESPONSIVE; CEREBELLOPATHY, HEREDITARY PAROXYSMAL; EPISODIC ATAXIA, NYSTAGMUS-ASSOCIATED; ACETAZOLAMIDE-RESPONSIVE HEREDITARY PAROXYSMAL CEREBELLAR ATAXIA. Identifiers: Orphanet 97, MedGen C1720416, MONDO:0007163, OMIM 108500.
Developmental and epileptic encephalopathy, 42 (DEE42A). Also called: DEVELOPMENTAL AND EPILEPTIC ENCEPHALOPATHY 42A; EPILEPTIC ENCEPHALOPATHY, EARLY INFANTILE, 42A; Epileptic encephalopathy, early infantile, 42. Identifiers: MedGen C4310716, MONDO:0014917, OMIM 617106.

Allele frequency attached by ClinVar (database versions not stated): gnomAD exomes below 0.00001.
gnomAD v4.1: 3 of 1,602,432 alleles (0.00019%); highest among the groups gnomAD compares: Non-Finnish European, 0.00025%; no homozygotes.

Submissions (2):

Labcorp Genetics (formerly Invitae), Labcorp
Classification: Likely benign for Developmental and epileptic encephalopathy, 42; Episodic ataxia type 2. Last evaluated: 2025-01-26. Review status: criteria provided, single submitter. Criteria: Invitae Variant Classification Sherloc (09022015). Collection method: clinical testing. Allele origin: germline.

GeneDx
Classification: Likely benign. Last evaluated: 2017-10-06. Review status: criteria provided, single submitter. Criteria: GeneDx Variant Classification (06012015). Collection method: clinical testing. Allele origin: germline. Affected: yes.
Comment: This variant is considered likely benign or benign based on one or more of the following criteria: it is a conservative change, it occurs at a poorly conserved position in the protein, it is predicted to be benign by multiple in silico algorithms, and/or has population frequency not consistent with disease.

NM_001127222.2(CACNA1A):c.2337T>C (p.Ser779=)

Gene: CACNA1A (calcium voltage-gated channel subunit alpha1 A; minus strand). Cytogenetic location: 19p13.13.
Variant type: single nucleotide variant.
Coding change: c.2337T>C on transcript NM_001127222.2 (MANE Select); coding-DNA position 2337, T replaced by C.
Protein change: p.Ser779=; no amino-acid change (serine 779 retained).
Molecular consequence: synonymous variant.
Genome position (GRCh38, 1-based): chr19:13,299,296, A>G on the plus strand (T>C on the coding strand, the complement: CACNA1A is on the minus strand). VCF-style: chr19-13299296-A-G. GRCh37 (hg19) VCF-style: chr19-13410110-A-G.
Other names: c.2349T>C, p.Ser783= (NM_000068.4, NM_023035.3); c.2340T>C, p.Ser780= (NM_001127221.2, NM_001174080.2).
Identifiers: ClinVar variation 512500 (VCV000512500.9), dbSNP rs1555756457, ClinGen allele CA505785416.
Genomic context (GRCh38, chr19:13,299,296, plus strand): 5'-CGGGTCCATTTCGTTATACAGGGCCTCCCGGCTGGCCAGCAAGTTCTGCTTTCGCATCTC[A>G]CTGGTCCGCTGCTCCCACACGGACTTGGCTGGCTTTTGATTCTTCTGTTGCTCTTTCCTG-3'
Protein context (NP_001120694.1, residues 769-789): PAKSVWEQRT[Ser779=]EMRKQNLLAS